The following is an entry in ClinVar:

NM_144997.7(FLCN):c.302A>T (p.Glu101Val)

Gene: FLCN (folliculin; minus strand). Cytogenetic location: 17p11.2.
Variant type: single nucleotide variant.
Coding change: c.302A>T on transcript NM_144997.7 (MANE Select); coding-DNA position 302, A replaced by T.
Protein change: p.Glu101Val; replaces glutamic acid 101 with valine.
Molecular consequence: missense variant.
Genome position (GRCh38, 1-based): chr17:17,226,270, T>A on the plus strand (A>T on the coding strand, the complement: FLCN is on the minus strand). VCF-style: chr17-17226270-T-A. GRCh37 (hg19) VCF-style: chr17-17129584-T-A.
Other names: c.302A>T, p.Glu101Val (NM_001353229.2, NM_001353230.2, NM_001353231.2 and 1 more transcripts); short protein forms E101V.
Identifiers: ClinVar variation 2771238 (VCV002771238.3), dbSNP rs958255980, ClinGen allele CA398534886.

ClinVar aggregate classification (germline): Uncertain significance (1 of 4 stars; one submission).

Conditions:
Birt-Hogg-Dube syndrome. Also called: Birt Hogg Dubé syndrome. Identifiers: Orphanet 122, MedGen C0346010, MONDO:0800444.

Submission:

Labcorp Genetics (formerly Invitae), Labcorp
Classification: Uncertain significance for Birt-Hogg-Dube syndrome. Last evaluated: 2023-10-23. Review status: criteria provided, single submitter. Criteria: Invitae Variant Classification Sherloc (09022015). Collection method: clinical testing. Allele origin: germline.
Comment: This sequence change replaces glutamic acid, which is acidic and polar, with valine, which is neutral and non-polar, at codon 101 of the FLCN protein (p.Glu101Val). This variant is not present in population databases (gnomAD no frequency). This variant has not been reported in the literature in individuals affected with FLCN-related conditions. Advanced modeling of protein sequence and biophysical properties (such as structural, functional, and spatial information, amino acid conservation, physicochemical variation, residue mobility, and thermodynamic stability) performed at Invitae indicates that this missense variant is not expected to disrupt FLCN protein function. In summary, the available evidence is currently insufficient to determine the role of this variant in disease. Therefore, it has been classified as a Variant of Uncertain Significance.